The following is an entry in ClinVar:

NC_000021.8:g.(?_44473990)_(45629566_?)del

Genes: AGPAT3 (1-acylglycerol-3-phosphate O-acyltransferase 3; plus strand), CBS (cystathionine beta-synthase; minus strand), CRYAA (crystallin alpha A; plus strand), CSTB (cystatin B; minus strand), GATD3 (glutamine amidotransferase class 1 domain containing 3; plus strand) and 8 more. Cytogenetic location: 21q22.3.
Variant type: Deletion.
Identifiers: ClinVar variation 3248150 (VCV003248150.1).

ClinVar aggregate classification (germline): Conflicting classifications of pathogenicity. Review status: criteria provided, conflicting classifications (1 of 4 stars). 2 submissions from 1 submitter: Pathogenic (1); Uncertain significance (1). Last evaluated 2023-07-12.

Conditions:
Developmental and epileptic encephalopathy, 30 (DEE30). Also called: Epileptic encephalopathy, early infantile, 30. Identifiers: MedGen C4225360, MONDO:0014595, OMIM 616341.
Progressive myoclonic epilepsy. Also called: Familial progressive myoclonic epilepsy; Myoclonic Epilepsies, Progressive; Myoclonus epilepsy; Progressive myoclonus epilepsy. Identifiers: Orphanet 308, Orphanet 98261, MedGen C0751778, MONDO:0020074.

Submissions (2):

Labcorp Genetics (formerly Invitae), Labcorp
Classification: Pathogenic for Progressive myoclonic epilepsy. Last evaluated: 2023-07-12. Review status: criteria provided, single submitter. Criteria: Invitae Variant Classification Sherloc (09022015). Collection method: clinical testing. Allele origin: unknown.
Comment: For these reasons, this variant has been classified as Pathogenic. This variant has not been reported in the literature in individuals affected with CSTB-related conditions. A gross deletion of the genomic region encompassing the full coding sequence of the CSTB gene has been identified. Loss-of-function variants in CSTB are known to be pathogenic (PMID: 8596935). The boundaries of this event are unknown as they extend beyond the assayed region for this gene and therefore may encompass additional genes.

Labcorp Genetics (formerly Invitae), Labcorp
Classification: Uncertain significance for Developmental and epileptic encephalopathy, 30. Last evaluated: 2023-07-12. Review status: criteria provided, single submitter. Criteria: Invitae Variant Classification Sherloc (09022015). Collection method: clinical testing. Allele origin: unknown.
Comment: This variant has not been reported in the literature in individuals affected with SIK1-related conditions. A gross deletion of the genomic region encompassing the full coding sequence of the SIK1 gene has been identified. The current clinical and genetic evidence is not sufficient to establish whether loss-of-function variants in SIK1 cause disease. The boundaries of this event are unknown as they extend beyond the assayed region for this gene and therefore may encompass additional genes. In summary, the available evidence is currently insufficient to determine the role of this variant in disease. Therefore, it has been classified as a Variant of Uncertain Significance.

Literature cited by the submitters: PubMed 8596935.